The following is an entry in ClinVar:

GRCh38/hg38 10q11.22-11.23(chr10:45999930-49937908)x3

Genes: AGAP9 (ArfGAP with GTPase domain, ankyrin repeat and PH domain 9; minus strand), ANTXRL (ANTXR like; plus strand), ANXA8 (annexin A8; minus strand), ANXA8L1 (annexin A8 like 1; plus strand), ARHGAP22 (Rho GTPase activating protein 22; minus strand) and 109 more. Cytogenetic location: 10q11.22-11.23.
Variant type: copy number gain.
Change: copy number 3 (three copies instead of two) of chr10:45,999,930-49,937,908 (3.94 Mb, GRCh38 coordinates, 1-based), cytogenetic band 10q11.22-11.23.
Identifiers: ClinVar variation 57411 (VCV000057411.1).

ClinVar aggregate classification (germline): Pathogenic (1 of 4 stars; one submission).

Submission:

ISCA site 4
Classification: Pathogenic. Last evaluated: 2011-08-12. Review status: criteria provided, single submitter. Criteria: Kaminsky et al. (Genet Med. 2011). Collection method: clinical testing. Allele origin: unknown. Affected: yes. Observed: 1 variant allele.
Comment: Copy number variation identified through the course of routine clinical cytogenomic testing in postnatal populations. Clinical assertions have been curated as described in Kaminsky et al. 2011.